The following is an entry in ClinVar:

NM_005732.4(RAD50):c.2848A>G (p.Lys950Glu)

Gene: RAD50 (RAD50 double strand break repair protein; plus strand). Cytogenetic location: 5q31.1.
Variant type: single nucleotide variant.
Coding change: c.2848A>G on transcript NM_005732.4 (MANE Select); coding-DNA position 2848, A replaced by G.
Protein change: p.Lys950Glu; replaces lysine 950 with glutamic acid.
Molecular consequence: missense variant.
Genome position (GRCh38, 1-based): chr5:132,609,135, A>G. VCF-style: chr5-132609135-A-G. GRCh37 (hg19) VCF-style: chr5-131944827-A-G.
Other names: short protein forms K950E.
Identifiers: ClinVar variation 821896 (VCV000821896.4), dbSNP rs1581004613, ClinGen allele CA360959449.
Genomic context (GRCh38, chr5:132,609,135, plus strand): 5'-TTAAGTACAACCAGTGTAAATTTAATGAATATTTTTCTACAGCTGAATGATATTAAAGAG[A>G]AGGTTAAAAATATTCATGGCTATATGAAAGACATTGAGAATTATATTCAAGATGGGAAAG-3'
Protein context (NP_005723.2, residues 940-960): AQDKLNDIKE[Lys950Glu]VKNIHGYMKD

ClinVar aggregate classification (germline): Uncertain significance (1 of 4 stars; one submission).

Conditions:
Hereditary cancer-predisposing syndrome. Also called: Tumor predisposition; Hereditary Cancer Syndrome; Neoplastic Syndromes, Hereditary; Hereditary neoplastic syndrome. Identifiers: Orphanet 140162, MedGen C0027672, MeSH D009386, MONDO:0015356.

Allele frequency attached by ClinVar (database versions not stated): gnomAD exomes below 0.00001.
gnomAD v4.1: 1 of 1,611,758 alleles (0.000062%); highest among the groups gnomAD compares: Non-Finnish European, 0.000085%; no homozygotes.

Submission:

Ambry Genetics
Classification: Uncertain significance for Hereditary cancer-predisposing syndrome. Last evaluated: 2019-05-21. Review status: criteria provided, single submitter. Criteria: Ambry Variant Classification Scheme 2023. Collection method: clinical testing. Allele origin: germline.
Comment: The p.K950E variant (also known as c.2848A>G), located in coding exon 18 of the RAD50 gene, results from an A to G substitution at nucleotide position 2848. The lysine at codon 950 is replaced by glutamic acid, an amino acid with similar properties. This amino acid position is well conserved in available vertebrate species. In addition, this alteration is predicted to be tolerated by in silico analysis. Since supporting evidence is limited at this time, the clinical significance of this alteration remains unclear.